The following is an entry in ClinVar:

NM_025136.4(OPA3):c.152G>A (p.Trp51Ter)

Genes: OPA3 (outer mitochondrial membrane lipid metabolism regulator OPA3; minus strand), OPA3-RTN2 (OPA3-RTN2 readthrough; minus strand). Cytogenetic location: 19q13.32.
Variant type: single nucleotide variant.
Coding change: c.152G>A on transcript NM_025136.4 (MANE Select); coding-DNA position 152, G replaced by A.
Protein change: p.Trp51Ter; replaces tryptophan 51 with a stop codon.
Molecular consequence: nonsense. On other transcripts: intron variant (1).
Genome position (GRCh38, 1-based): chr19:45,553,902, C>T on the plus strand (G>A on the coding strand, the complement: OPA3 is on the minus strand). VCF-style: chr19-45553902-C-T. GRCh37 (hg19) VCF-style: chr19-46057160-C-T.
Other names: c.143-24446G>A (NM_001017989.3); short protein forms W51*.
Identifiers: ClinVar variation 2190228 (VCV002190228.4), dbSNP rs747890876, ClinGen allele CA9517450.
Genomic context (GRCh38, chr19:45,553,902, plus strand): 5'-AGCGGCTTGATGACCGTGCCCCGGAAGCCCATGATGCGCATCTTGGTCCGCATCTCCACC[C>T]AGTGATACACTGCGGGGGAAGAGAGGGGTCAGGCTGCGCTCTGGGAGCCCCCTGCAAGCC-3'

ClinVar aggregate classification (germline): Likely pathogenic (1 of 4 stars; one submission).

Conditions:
Optic atrophy 3 (OPA3). Also called: OPTIC ATROPHY 3, AUTOSOMAL DOMINANT; Optic atrophy, cataract, and neurologic disorder; Optic atrophy 3 with cataract. Identifiers: Orphanet 67036, MedGen C1833809, MONDO:0008133, OMIM 165300.
3-Methylglutaconic aciduria type 3 (MGCA3). Also called: OPA3, AUTOSOMAL RECESSIVE; OPTIC ATROPHY 3, AUTOSOMAL RECESSIVE; OPA3-Related 3-Methylglutaconic Aciduria; Costeff Syndrome. Identifiers: Orphanet 67047, MedGen C0574084, MONDO:0009787, OMIM 258501.

Allele frequency attached by ClinVar (database versions not stated): ExAC 0.00001; gnomAD exomes 0.00001; TOPMed 0.00001.
gnomAD v4.1: 5 of 1,606,292 alleles (0.00031%); highest among the groups gnomAD compares: Admixed American, 0.0084%; no homozygotes.

Submission:

Labcorp Genetics (formerly Invitae), Labcorp
Classification: Likely pathogenic for 3-Methylglutaconic aciduria type 3; Optic atrophy 3. Last evaluated: 2024-07-13. Review status: criteria provided, single submitter. Criteria: Invitae Variant Classification Sherloc (09022015). Collection method: clinical testing. Allele origin: germline.
Comment: This sequence change creates a premature translational stop signal (p.Trp51*) in the OPA3 gene. While this is not anticipated to result in nonsense mediated decay, it is expected to disrupt the last 129 amino acid(s) of the OPA3 protein. This variant is present in population databases (rs747890876, gnomAD 0.009%). This variant has not been reported in the literature in individuals affected with OPA3-related conditions. ClinVar contains an entry for this variant (Variation ID: 2190228). This variant disrupts the C-terminus of the OPA3 protein. Other variant(s) that disrupt this region (p.Gly65Alafs*7, p.Gln139*) have been observed in individuals with OPA3-related conditions (PMID: 18985435, 27629047). This suggests that this may be a clinically significant region of the protein. In summary, the currently available evidence indicates that the variant is pathogenic, but additional data are needed to prove that conclusively. Therefore, this variant has been classified as Likely Pathogenic.

Literature cited by the submitters: PubMed 18985435; PubMed 27629047.